The following is an entry in ClinVar:

ClinVar aggregate classification (germline): Uncertain significance. Review status: criteria provided, multiple submitters, no conflicts (2 of 4 stars). 2 submissions from 2 submitters: Uncertain significance (2). Last evaluated 2025-09-07.

Conditions:
Hereditary motor and sensory neuropathy, Okinawa type (HMSNO). Also called: HEREDITARY MOTOR AND SENSORY NEUROPATHY, PROXIMAL TYPE. Identifiers: Orphanet 90117, MedGen C1858338, MONDO:0011468, OMIM 604484.
Hereditary spastic paraplegia 57. Also called: Spastic paraplegia 57, autosomal recessive. Identifiers: Orphanet 431329, MedGen C3714897, MONDO:0014295, OMIM 615658.

gnomAD v4.1: 17 of 1,604,580 alleles (0.0011%); highest among the groups gnomAD compares: Non-Finnish European, 0.0014%; no homozygotes.

Submissions (2):

Labcorp Genetics (formerly Invitae), Labcorp
Classification: Uncertain significance for Hereditary motor and sensory neuropathy, Okinawa type; Hereditary spastic paraplegia 57. Last evaluated: 2025-09-07. Review status: criteria provided, single submitter. Criteria: Invitae Variant Classification Sherloc (09022015). Collection method: clinical testing. Allele origin: germline.
Comment: This sequence change replaces isoleucine, which is neutral and non-polar, with threonine, which is neutral and polar, at codon 135 of the TFG protein (p.Ile135Thr). This variant is present in population databases (rs774357786, gnomAD 0.0009%). This variant has not been reported in the literature in individuals affected with TFG-related conditions. ClinVar contains an entry for this variant (Variation ID: 3379482). Invitae Evidence Modeling of protein sequence and biophysical properties (such as structural, functional, and spatial information, amino acid conservation, physicochemical variation, residue mobility, and thermodynamic stability) indicates that this missense variant is not expected to disrupt TFG protein function with a negative predictive value of 80%. In summary, the available evidence is currently insufficient to determine the role of this variant in disease. Therefore, it has been classified as a Variant of Uncertain Significance.

Mayo Clinic Laboratories, Mayo Clinic
Classification: Uncertain significance. Last evaluated: 2023-07-26. Review status: criteria provided, single submitter. Criteria: ACMG Guidelines, 2015. Collection method: clinical testing. Allele origin: germline. Observed: 1 variant allele.
Comment: BP4

NM_006070.6(TFG):c.404T>C (p.Ile135Thr)

Gene: TFG (trafficking from ER to golgi regulator; plus strand). Cytogenetic location: 3q12.2.
Variant type: single nucleotide variant.
Coding change: c.404T>C on transcript NM_006070.6 (MANE Select); coding-DNA position 404, T replaced by C.
Protein change: p.Ile135Thr; replaces isoleucine 135 with threonine.
Molecular consequence: missense variant.
Genome position (GRCh38, 1-based): chr3:100,728,847, T>C. VCF-style: chr3-100728847-T-C. GRCh37 (hg19) VCF-style: chr3-100447691-T-C.
Other names: p.Ile135Thr; c.404T>C, p.Ile135Thr (NM_001007565.2, NM_001195478.2, NM_001195479.2); short protein forms I135T.
Identifiers: ClinVar variation 3379482 (VCV003379482.3).
Genomic context (GRCh38, chr3:100,728,847, plus strand): 5'-AAGTGAATCGTTTATTGGATAGCTTGGAACCACCTGGAGAACCAGGACCTTCCACCAATA[T>C]TCCTGAAAATGGTAAACCCTGAATCCATTGTATTCTGACTTATTGTTCTTACGTCTTTTT-3'
Protein context (NP_006061.2, residues 125-145): PPGEPGPSTN[Ile135Thr]PENDTVDGRE